The following is an entry in ClinVar:

ClinVar aggregate classification (germline): Uncertain significance (1 of 4 stars; one submission).

Conditions:
3-methylglutaconic aciduria, type VIIB (MGCA7B). Also called: 3-methylglutaconic aciduria, type VII, with cataracts, neurologic involvement and neutropenia; CLPB Deficiency; 3-methylglutaconic aciduria with cataracts, neurologic involvement and neutropenia. Identifiers: Orphanet 445038, MedGen C5676893, MONDO:0014561, OMIM 616271.

gnomAD v4.1: 2 of 1,612,640 alleles (0.00012%); highest among the groups gnomAD compares: Admixed American, 0.0017%; no homozygotes.

Submission:

Labcorp Genetics (formerly Invitae), Labcorp
Classification: Uncertain significance for 3-methylglutaconic aciduria, type VIIB. Last evaluated: 2025-09-02. Review status: criteria provided, single submitter. Criteria: Invitae Variant Classification Sherloc (09022015). Collection method: clinical testing. Allele origin: germline.
Comment: This sequence change falls in intron 2 of the CLPB gene. It does not directly change the encoded amino acid sequence of the CLPB protein. This variant is present in population databases (no rsID available, gnomAD 0.003%). This variant has not been reported in the literature in individuals affected with CLPB-related conditions. ClinVar contains an entry for this variant (Variation ID: 3648714). Algorithms developed to predict the effect of sequence changes on RNA splicing suggest that this variant may create or strengthen a splice site. In summary, the available evidence is currently insufficient to determine the role of this variant in disease. Therefore, it has been classified as a Variant of Uncertain Significance.

NM_001258392.3(CLPB):c.456-5T>C

Gene: CLPB (ClpB family mitochondrial disaggregase; minus strand). Cytogenetic location: 11q13.4.
Variant type: single nucleotide variant.
Coding change: c.456-5T>C on transcript NM_001258392.3 (MANE Select); 5 bases into the intron before coding-DNA position 456, T replaced by C.
Molecular consequence: intron variant.
Genome position (GRCh38, 1-based): chr11:72,403,057, A>G on the plus strand (T>C on the coding strand, the complement: CLPB is on the minus strand). VCF-style: chr11-72403057-A-G. GRCh37 (hg19) VCF-style: chr11-72114101-A-G.
Other names: c.456-22673T>C (NM_001258393.3); c.456-5T>C (NM_030813.6); c.321-5T>C (NM_001258394.3).
Identifiers: ClinVar variation 3648714 (VCV003648714.2).